The following is an entry in ClinVar:

NM_007194.4(CHEK2):c.467dup (p.Tyr156Ter)

Gene: CHEK2 (checkpoint kinase 2; minus strand). Cytogenetic location: 22q12.1.
Variant type: Duplication.
Coding change: c.467dup on transcript NM_007194.4 (MANE Select); coding-DNA position 467, one base duplicated (A; older notation c.467dupA).
Protein change: p.Tyr156Ter; replaces tyrosine 156 with a stop codon.
Molecular consequence: nonsense. On other transcripts: 5 prime UTR variant (2), intron variant (1).
Genome position (GRCh38, 1-based): chr22:28,725,102, T duplicated on the plus strand (A on the coding strand, the reverse complement: CHEK2 is on the minus strand). VCF-style (leftmost placement, unchanged base first): chr22-28725101-G-GT. GRCh37 (hg19) VCF-style: chr22-29121089-G-GT.
Other names: c.596dup, p.Tyr199Ter (NM_001005735.3, NM_001438294.1); c.-311dup (NM_001257387.3); c.-197dup (NM_001437942.1); c.560dup, p.Tyr187Ter (NM_001438293.1, NM_001438295.1); c.467dup, p.Tyr156Ter (NM_145862.3); c.444+141dup (NM_001349956.3); short protein forms Y199*, Y156*, Y187*.
Identifiers: ClinVar variation 947569 (VCV000947569.8), dbSNP rs2053947943, ClinGen allele CA1139666373.

ClinVar aggregate classification (germline): Pathogenic (1 of 4 stars; one submission).

Conditions:
Familial cancer of breast. Also called: Hereditary breast cancer; hereditary breast carcinoma; BREAST CANCER, FAMILIAL. Identifiers: Orphanet 227535, MedGen C0346153, MONDO:0016419, OMIM 114480. Disease mechanism: loss of function.

Submission:

Labcorp Genetics (formerly Invitae), Labcorp
Classification: Pathogenic for Familial cancer of breast. Last evaluated: 2022-07-11. Review status: criteria provided, single submitter. Criteria: Invitae Variant Classification Sherloc (09022015). Collection method: clinical testing. Allele origin: germline.
Comment: For these reasons, this variant has been classified as Pathogenic. ClinVar contains an entry for this variant (Variation ID: 947569). This variant has not been reported in the literature in individuals affected with CHEK2-related conditions. This variant is not present in population databases (gnomAD no frequency). This sequence change creates a premature translational stop signal (p.Tyr156*) in the CHEK2 gene. It is expected to result in an absent or disrupted protein product. Loss-of-function variants in CHEK2 are known to be pathogenic (PMID: 21876083, 24713400).

Literature cited by the submitters: PubMed 21876083; PubMed 24713400.